The following is an entry in ClinVar:

ClinVar aggregate classification (germline): Uncertain significance (1 of 4 stars; one submission).

Conditions:
Developmental and epileptic encephalopathy, 32 (DEE32). Also called: Epileptic encephalopathy, early infantile, 32. Identifiers: Orphanet 442835, MedGen C4225350, MONDO:0014607, OMIM 616366.

Submission:

Labcorp Genetics (formerly Invitae), Labcorp
Classification: Uncertain significance for Developmental and epileptic encephalopathy, 32. Last evaluated: 2024-11-06. Review status: criteria provided, single submitter. Criteria: Invitae Variant Classification Sherloc (09022015). Collection method: clinical testing. Allele origin: germline.
Comment: This sequence change replaces alanine, which is neutral and non-polar, with threonine, which is neutral and polar, at codon 9 of the KCNA2 protein (p.Ala9Thr). This variant is not present in population databases (gnomAD no frequency). This variant has not been reported in the literature in individuals affected with KCNA2-related conditions. Invitae Evidence Modeling of protein sequence and biophysical properties (such as structural, functional, and spatial information, amino acid conservation, physicochemical variation, residue mobility, and thermodynamic stability) indicates that this missense variant is not expected to disrupt KCNA2 protein function with a negative predictive value of 95%. In summary, the available evidence is currently insufficient to determine the role of this variant in disease. Therefore, it has been classified as a Variant of Uncertain Significance.

NM_004974.4(KCNA2):c.25G>A (p.Ala9Thr)

Gene: KCNA2 (potassium voltage-gated channel subfamily A member 2; minus strand). Cytogenetic location: 1p13.3.
Variant type: single nucleotide variant.
Coding change: c.25G>A on transcript NM_004974.4 (MANE Select); coding-DNA position 25, G replaced by A.
Protein change: p.Ala9Thr; replaces alanine 9 with threonine.
Molecular consequence: missense variant.
Genome position (GRCh38, 1-based): chr1:110,604,758, C>T on the plus strand (G>A on the coding strand, the complement: KCNA2 is on the minus strand). VCF-style: chr1-110604758-C-T. GRCh37 (hg19) VCF-style: chr1-111147380-C-T.
Other names: c.25G>A, p.Ala9Thr (NM_001204269.2); short protein forms A9T.
Identifiers: ClinVar variation 3633594 (VCV003633594.2).